The following is an entry in ClinVar:

ClinVar aggregate classification (germline): Uncertain significance (1 of 4 stars; one submission).

gnomAD v4.1: 1 of 1,593,424 alleles (0.000063%); highest among the groups gnomAD compares: Non-Finnish European, 0.000085%; no homozygotes.

Submission:

Labcorp Genetics (formerly Invitae), Labcorp
Classification: Uncertain significance. Last evaluated: 2025-02-27. Review status: criteria provided, single submitter. Criteria: Invitae Variant Classification Sherloc (09022015). Collection method: clinical testing. Allele origin: germline.
Comment: This sequence change replaces glycine, which is neutral and non-polar, with glutamic acid, which is acidic and polar, at codon 191 of the WNT1 protein (p.Gly191Glu). This variant is not present in population databases (gnomAD no frequency). This variant has not been reported in the literature in individuals affected with WNT1-related conditions. Invitae Evidence Modeling of protein sequence and biophysical properties (such as structural, functional, and spatial information, amino acid conservation, physicochemical variation, residue mobility, and thermodynamic stability) indicates that this missense variant is not expected to disrupt WNT1 protein function with a negative predictive value of 80%. In summary, the available evidence is currently insufficient to determine the role of this variant in disease. Therefore, it has been classified as a Variant of Uncertain Significance.

NM_005430.4(WNT1):c.572G>A (p.Gly191Glu)

Gene: WNT1 (Wnt family member 1; plus strand). Cytogenetic location: 12q13.12.
Variant type: single nucleotide variant.
Coding change: c.572G>A on transcript NM_005430.4 (MANE Select); coding-DNA position 572, G replaced by A.
Protein change: p.Gly191Glu; replaces glycine 191 with glutamic acid.
Molecular consequence: missense variant.
Genome position (GRCh38, 1-based): chr12:48,980,637, G>A. VCF-style: chr12-48980637-G-A. GRCh37 (hg19) VCF-style: chr12-49374420-G-A.
Other names: short protein forms G191E.
Identifiers: ClinVar variation 4769434 (VCV004769434.1).